The following is an entry in ClinVar:

ClinVar aggregate classification (germline): Uncertain significance (1 of 4 stars; one submission).

Conditions:
Dilated cardiomyopathy 1G (CMD1G). Identifiers: Orphanet 154, MedGen C1858763, MONDO:0011400, OMIM 604145.
Autosomal recessive limb-girdle muscular dystrophy type 2J (LGMDR10). Also called: Limb-girdle muscular dystrophy, type 2J; MUSCULAR DYSTROPHY, LIMB-GIRDLE, AUTOSOMAL RECESSIVE 10. Identifiers: Orphanet 140922, MedGen C1837342, MONDO:0012127, OMIM 608807.

Submission:

Labcorp Genetics (formerly Invitae), Labcorp
Classification: Uncertain significance for Dilated cardiomyopathy 1G; Autosomal recessive limb-girdle muscular dystrophy type 2J. Last evaluated: 2019-10-09. Review status: criteria provided, single submitter. Criteria: Invitae Variant Classification Sherloc (09022015). Collection method: clinical testing. Allele origin: germline.
Comment: This sequence change falls in intron 296 of the TTN gene. It does not directly change the encoded amino acid sequence of the TTN protein, but it affects a nucleotide within the consensus splice site of the intron. This variant is not present in population databases (ExAC no frequency). In summary, the available evidence is currently insufficient to determine the role of this variant in disease. Therefore, it has been classified as a Variant of Uncertain Significance. Nucleotide substitutions within the consensus splice site are a relatively common cause of aberrant splicing (PMID: 17576681, 9536098). Algorithms developed to predict the effect of sequence changes on RNA splicing suggest that this variant may disrupt the consensus splice site, but this prediction has not been confirmed by published transcriptional studies. This variant is located in the A band of TTN (PMID: 25589632). Variants in this region may be relevant for cardiac or neuromuscular disorders (PMID: 25589632, 23975875). This variant has not been reported in the literature in individuals with TTN-related conditions.

Literature cited by the submitters: PubMed 17576681; PubMed 9536098; PubMed 25589632; PubMed 23975875.

NM_001267550.2(TTN):c.58150+5G>A

Genes: TTN-AS1 (TTN antisense RNA 1; plus strand), TTN (titin; minus strand). Cytogenetic location: 2q31.2.
Variant type: single nucleotide variant.
Coding change: c.58150+5G>A on transcript NM_001267550.2 (MANE Select); 5 bases into the intron after coding-DNA position 58150, G replaced by A.
Molecular consequence: intron variant.
Genome position (GRCh38, 1-based): chr2:178,594,339, C>T on the plus strand (G>A on the coding strand, the complement: TTN is on the minus strand). VCF-style: chr2-178594339-C-T. GRCh37 (hg19) VCF-style: chr2-179459066-C-T.
Other names: c.30955+5G>A (NM_003319.4); c.31531+5G>A (NM_133437.4); c.31330+5G>A (NM_133432.3); c.50446+5G>A (NM_133378.4); c.53227+5G>A (NM_001256850.1).
Identifiers: ClinVar variation 956609 (VCV000956609.10), dbSNP rs2050944617, ClinGen allele CA1139655769.